The following is an entry in ClinVar:

ClinVar aggregate classification (germline): Likely pathogenic (1 of 4 stars; one submission).

Submission:

Labcorp Genetics (formerly Invitae), Labcorp
Classification: Likely pathogenic. Last evaluated: 2019-08-26. Review status: criteria provided, single submitter. Criteria: Invitae Variant Classification Sherloc (09022015). Collection method: clinical testing. Allele origin: germline.
Comment: In summary, the currently available evidence indicates that the variant is pathogenic, but additional data are needed to prove that conclusively. Therefore, this variant has been classified as Likely Pathogenic. Loss-of-function variants in CNGB1 are known to be pathogenic (PMID: 15557452, 24043777). This variant has not been reported in the literature in individuals with CNGB1-related conditions. This variant results in a copy number gain of the genomic region encompassing exons 13-14 of the CNGB1 gene. While the exact position of this variant cannot be determined from this data, sub-genic copy number gains are generally in tandem (PMID: 25640679) and may result in an absent or disrupted protein product.

Literature cited by the submitters: PubMed 15557452; PubMed 24043777; PubMed 25640679.

NC_000016.10:g.(?_57949353)_(57950540_?)dup

Gene: CNGB1 (cyclic nucleotide gated channel subunit beta 1; minus strand). Cytogenetic location: 16q21.
Variant type: Duplication.
Identifiers: ClinVar variation 832087 (VCV000832087.5).